The following is an entry in ClinVar:

NM_020433.5(JPH2):c.1565G>A (p.Arg522Gln)

Gene: JPH2 (junctophilin 2; minus strand). Cytogenetic location: 20q13.12.
Variant type: single nucleotide variant.
Coding change: c.1565G>A on transcript NM_020433.5 (MANE Select); coding-DNA position 1565, G replaced by A.
Protein change: p.Arg522Gln; replaces arginine 522 with glutamine.
Molecular consequence: missense variant.
Genome position (GRCh38, 1-based): chr20:44,116,110, C>T on the plus strand (G>A on the coding strand, the complement: JPH2 is on the minus strand). VCF-style: chr20-44116110-C-T. GRCh37 (hg19) VCF-style: chr20-42744750-C-T.
Other names: p.Arg522Gln; short protein forms R522Q.
Identifiers: ClinVar variation 524954 (VCV000524954.17), dbSNP rs980412081, ClinGen allele CA314642637.

ClinVar aggregate classification (germline): Conflicting classifications of pathogenicity. Review status: criteria provided, conflicting classifications (1 of 4 stars). 4 submissions from 4 submitters: Uncertain significance (3); Likely benign (1). Last evaluated 2026-02-09.

Conditions:
Hypertrophic cardiomyopathy. Also called: HYPERTROPHIC MYOCARDIOPATHY. Identifiers: Orphanet 217569, MedGen C0007194, MeSH D002312, MONDO:0005045, HP:0001639.
Cardiovascular phenotype. Identifiers: MedGen CN230736.

Allele frequency attached by ClinVar (database versions not stated): gnomAD exomes 0.00002; gnomAD 0.00007; TOPMed 0.00010.
gnomAD v4.1: 32 of 1,478,736 alleles (0.0022%); highest among the groups gnomAD compares: Admixed American, 0.026%; no homozygotes.

Submissions (4):

GeneDx
Classification: Uncertain significance. Last evaluated: 2026-02-09. Review status: criteria provided, single submitter. Criteria: GeneDx Variant Classification Process June 2021. Collection method: clinical testing. Allele origin: germline. Affected: yes.
Comment: Has not been previously published as pathogenic or benign to our knowledge; Not observed at significant frequency in large population cohorts (gnomAD); In silico analysis suggests that this missense variant does not alter protein structure/function

Labcorp Genetics (formerly Invitae), Labcorp
Classification: Uncertain significance for Hypertrophic cardiomyopathy. Last evaluated: 2025-10-09. Review status: criteria provided, single submitter. Criteria: Invitae Variant Classification Sherloc (09022015). Collection method: clinical testing. Allele origin: germline.
Comment: This sequence change replaces arginine, which is basic and polar, with glutamine, which is neutral and polar, at codon 522 of the JPH2 protein (p.Arg522Gln). The frequency data for this variant in the population databases is considered unreliable, as metrics indicate poor data quality at this position in the gnomAD database. This variant has not been reported in the literature in individuals affected with JPH2-related conditions. ClinVar contains an entry for this variant (Variation ID: 524954). An algorithm developed to predict the effect of missense changes on protein structure and function (PolyPhen-2) suggests that this variant is likely to be tolerated. In summary, the available evidence is currently insufficient to determine the role of this variant in disease. Therefore, it has been classified as a Variant of Uncertain Significance.

Mayo Clinic Laboratories, Mayo Clinic
Classification: Uncertain significance. Last evaluated: 2025-06-30. Review status: criteria provided, single submitter. Criteria: ACMG Guidelines, 2015. Collection method: clinical testing. Allele origin: germline. Observed: 1 variant allele.
Comment: BP4, PM2_supporting

Ambry Genetics
Classification: Likely benign for Cardiovascular phenotype. Last evaluated: 2025-06-18. Review status: criteria provided, single submitter. Criteria: Ambry Variant Classification Scheme 2023. Collection method: clinical testing. Allele origin: germline.

Literature cited by the submitters: PubMed 33954932 (cited by Mayo Clinic Laboratories, Mayo Clinic and Ambry Genetics).